The following is an entry in ClinVar:

ClinVar aggregate classification (germline): Uncertain significance. Review status: criteria provided, multiple submitters, no conflicts (2 of 4 stars). 2 submissions from 2 submitters: Uncertain significance (2). Last evaluated 2025-03-07.

Conditions:
Charcot-Marie-Tooth disease axonal type 2S. Also called: CHARCOT-MARIE-TOOTH DISEASE, AXONAL, AUTOSOMAL RECESSIVE, TYPE 2S; CHARCOT-MARIE-TOOTH NEUROPATHY, TYPE 2S. Identifiers: Orphanet 443073, MedGen C4015349, MONDO:0014511, OMIM 616155.
Autosomal recessive distal spinal muscular atrophy 1. Also called: NEURONOPATHY, SEVERE INFANTILE AXONAL, WITH RESPIRATORY FAILURE; SEVERE INFANTILE AXONAL NEUROPATHY WITH RESPIRATORY FAILURE; SPINAL MUSCULAR ATROPHY, DIAPHRAGMATIC; HMN VI; NEURONOPATHY, DISTAL HEREDITARY MOTOR, HARDING TYPE VI; NEUROPATHY, DISTAL HEREDITARY MOTOR, AUTOSOMAL RECESSIVE 1. Identifiers: Orphanet 98920, MedGen C1858517, MONDO:0011436, OMIM 604320.

Allele frequency attached by ClinVar (database versions not stated): ExAC 0.00001; gnomAD exomes 0.00001; gnomAD 0.00002; TOPMed 0.00002.
gnomAD v4.1: 30 of 1,613,046 alleles (0.0019%); highest among the groups gnomAD compares: Admixed American, 0.0033%; no homozygotes.

Submissions (2):

Labcorp Genetics (formerly Invitae), Labcorp
Classification: Uncertain significance for Autosomal recessive distal spinal muscular atrophy 1; Charcot-Marie-Tooth disease axonal type 2S. Last evaluated: 2025-03-07. Review status: criteria provided, single submitter. Criteria: Invitae Variant Classification Sherloc (09022015). Collection method: clinical testing. Allele origin: germline.
Comment: This sequence change replaces arginine, which is basic and polar, with histidine, which is basic and polar, at codon 450 of the IGHMBP2 protein (p.Arg450His). This variant is present in population databases (rs771485988, gnomAD 0.003%). This variant has not been reported in the literature in individuals affected with IGHMBP2-related conditions. ClinVar contains an entry for this variant (Variation ID: 852566). Invitae Evidence Modeling of protein sequence and biophysical properties (such as structural, functional, and spatial information, amino acid conservation, physicochemical variation, residue mobility, and thermodynamic stability) indicates that this missense variant is not expected to disrupt IGHMBP2 protein function with a negative predictive value of 95%. In summary, the available evidence is currently insufficient to determine the role of this variant in disease. Therefore, it has been classified as a Variant of Uncertain Significance.

Illumina Laboratory Services, Illumina
Classification: Uncertain significance for Autosomal recessive distal spinal muscular atrophy 1. Last evaluated: 2018-01-13. Review status: criteria provided, single submitter. Criteria: ICSL Variant Classification Criteria 13 December 2019. Collection method: clinical testing. Allele origin: germline.

NM_002180.3(IGHMBP2):c.1349G>A (p.Arg450His)

Gene: IGHMBP2 (immunoglobulin mu DNA binding protein 2; plus strand). Cytogenetic location: 11q13.3.
Variant type: single nucleotide variant.
Coding change: c.1349G>A on transcript NM_002180.3 (MANE Select); coding-DNA position 1349, G replaced by A.
Protein change: p.Arg450His; replaces arginine 450 with histidine.
Molecular consequence: missense variant.
Genome position (GRCh38, 1-based): chr11:68,933,412, G>A. VCF-style: chr11-68933412-G-A. GRCh37 (hg19) VCF-style: chr11-68700880-G-A.
Other names: short protein forms R450H.
Identifiers: ClinVar variation 852566 (VCV000852566.11), dbSNP rs771485988, ClinGen allele CA6153614.